The following is an entry in ClinVar:

ClinVar aggregate classification (germline): Pathogenic (1 of 4 stars; one submission).

Submission:

Labcorp Genetics (formerly Invitae), Labcorp
Classification: Pathogenic. Last evaluated: 2023-09-27. Review status: criteria provided, single submitter. Criteria: Invitae Variant Classification Sherloc (09022015). Collection method: clinical testing. Allele origin: germline.
Comment: This sequence change creates a premature translational stop signal (p.Arg781Glufs*19) in the ZNF469 gene. It is expected to result in an absent or disrupted protein product. Loss-of-function variants in ZNF469 are known to be pathogenic (PMID: 23642083, 23680354). This variant is not present in population databases (gnomAD no frequency). This variant has not been reported in the literature in individuals affected with ZNF469-related conditions. For these reasons, this variant has been classified as Pathogenic.

Literature cited by the submitters: PubMed 23642083; PubMed 23680354.

NM_001367624.2(ZNF469):c.2340del (p.Arg781fs)

Gene: ZNF469 (zinc finger protein 469; plus strand). Cytogenetic location: 16q24.2.
Variant type: Deletion.
Coding change: c.2340del on transcript NM_001367624.2 (MANE Select); coding-DNA position 2340, one base deleted (C; older notation c.2340delC).
Protein change: p.Arg781fs; shifts the reading frame from arginine 781.
Molecular consequence: frameshift variant.
Genome position (GRCh38, 1-based): chr16:88,429,810, C deleted; the last of 5 consecutive C bases (chr16:88,429,806-88,429,810); deleting any one gives the same sequence. VCF-style (leftmost placement, unchanged base first): chr16-88429805-GC-G. GRCh37 (hg19) VCF-style: chr16-88496213-GC-G.
Other names: short protein forms R781fs.
Identifiers: ClinVar variation 2807282 (VCV002807282.3), dbSNP rs2507578417, ClinGen allele CA2634824196.